The following is an entry in ClinVar:

NM_030665.4(RAI1):c.4554C>T (p.Pro1518=)

Gene: RAI1 (retinoic acid induced 1; plus strand). Cytogenetic location: 17p11.2.
Variant type: single nucleotide variant.
Coding change: c.4554C>T on transcript NM_030665.4 (MANE Select); coding-DNA position 4554, C replaced by T.
Protein change: p.Pro1518=; no amino-acid change (proline 1518 retained).
Molecular consequence: synonymous variant.
Genome position (GRCh38, 1-based): chr17:17,797,502, C>T. VCF-style: chr17-17797502-C-T. GRCh37 (hg19) VCF-style: chr17-17700816-C-T.
Identifiers: ClinVar variation 4997541 (VCV004997541.1).

ClinVar aggregate classification (germline): Likely benign (1 of 4 stars; one submission).

Conditions:
RAI1-related disorder. Also called: RAI1-related condition.

Submission:

PreventionGenetics, part of Exact Sciences
Classification: Likely benign for RAI1-related condition. Last evaluated: 2025-06-03. Review status: criteria provided, single submitter. Criteria: ACMG Guidelines, 2015. Collection method: clinical testing. Allele origin: germline.
Comment: This variant is classified as likely benign based on ACMG/AMP sequence variant interpretation guidelines (Richards et al. 2015 PMID: 25741868, with internal and published modifications).